The following is an entry in ClinVar:

ClinVar aggregate classification (germline): Uncertain significance (1 of 4 stars; one submission).

Conditions:
Severe combined immunodeficiency, autosomal recessive, T cell-negative, B cell-negative, NK cell-positive. Also called: SCID, T CELL-NEGATIVE, B CELL-NEGATIVE, NK CELL-POSITIVE; Severe combined immunodeficiency due to complete RAG1/2 deficiency; SCID, AR, T-cell negative, B-cell negative, NK cell-positive. Identifiers: Orphanet 331206, MedGen C1832322, MONDO:0011086, OMIM 601457.
Combined immunodeficiency with skin granulomas. Identifiers: Orphanet 157949, MedGen C2673536, MONDO:0009306, OMIM 233650.

Allele frequency attached by ClinVar (database versions not stated): 1000 Genomes Project 30x 0.00016; 1000 Genomes Project 0.00020.
gnomAD v4.1: 41 of 1,614,200 alleles (0.0025%); highest among the groups gnomAD compares: African/African-American, 0.015%; no homozygotes.

Submission:

Labcorp Genetics (formerly Invitae), Labcorp
Classification: Uncertain significance for Combined immunodeficiency with skin granulomas; Severe combined immunodeficiency, autosomal recessive, T cell-negative, B cell-negative, NK cell-positive. Last evaluated: 2025-01-19. Review status: criteria provided, single submitter. Criteria: Invitae Variant Classification Sherloc (09022015). Collection method: clinical testing. Allele origin: germline.
Comment: This sequence change replaces asparagine, which is neutral and polar, with lysine, which is basic and polar, at codon 106 of the RAG1 protein (p.Asn106Lys). This variant is present in population databases (rs367725290, gnomAD 0.01%). This variant has not been reported in the literature in individuals affected with RAG1-related conditions. ClinVar contains an entry for this variant (Variation ID: 1052679). Invitae Evidence Modeling of protein sequence and biophysical properties (such as structural, functional, and spatial information, amino acid conservation, physicochemical variation, residue mobility, and thermodynamic stability) indicates that this missense variant is not expected to disrupt RAG1 protein function with a negative predictive value of 80%. Experimental studies have shown that this missense change does not substantially affect RAG1 function (PMID: 24290284). In summary, the available evidence is currently insufficient to determine the role of this variant in disease. Therefore, it has been classified as a Variant of Uncertain Significance.

Literature cited by the submitters: PubMed 24290284.

NM_000448.3(RAG1):c.318C>A (p.Asn106Lys)

Gene: RAG1 (recombination activating 1; plus strand). Cytogenetic location: 11p12.
Variant type: single nucleotide variant.
Coding change: c.318C>A on transcript NM_000448.3 (MANE Select); coding-DNA position 318, C replaced by A.
Protein change: p.Asn106Lys; replaces asparagine 106 with lysine.
Molecular consequence: missense variant.
Genome position (GRCh38, 1-based): chr11:36,573,622, C>A. VCF-style: chr11-36573622-C-A. GRCh37 (hg19) VCF-style: chr11-36595172-C-A.
Other names: c.318C>A, p.Asn106Lys (NM_001377277.1, NM_001377278.1, NM_001377279.1 and 1 more transcripts); short protein forms N106K.
Identifiers: ClinVar variation 1052679 (VCV001052679.8), dbSNP rs367725290, ClinGen allele CA5949958.
Genomic context (GRCh38, chr11:36,573,622, plus strand): 5'-GTTTTCAAAGAAATTTCACGACAACGAGAAAGCAAGAGGCAAAGCGATCCATCAAGCCAA[C>A]CTTCGACATCTCTGCCGCATCTGTGGGAATTCTTTTAGAGCTGATGAGCACAACAGGAGA-3'
Protein context (NP_000439.2, residues 96-116): KARGKAIHQA[Asn106Lys]LRHLCRICGN